The following is an entry in ClinVar:

Conditions:
Arteriohepatic dysplasia. Also called: Alagille Syndrome. Identifiers: Orphanet 52, MedGen C0085280, MeSH D016738, MONDO:0007318.

Submission:

Gilbert/Spinner Lab, Children's Hospital of Philadelphia
No classification provided (evidence only). Condition: Alagille syndrome. Review status: no classification provided. Collection method: research. Allele origin: not applicable. Functional consequence: functionally_abnormal.
ClinVar note: "not provided" was previously submitted as the classification for the variant. However, the classification appeared to be based only on an observation of functional data so it was converted to no classification on 2025-07-30.

NM_000214.3(JAG1):c.811T>A (p.Cys271Ser)

Gene: JAG1 (jagged canonical Notch ligand 1; minus strand). Cytogenetic location: 20p12.2.
Variant type: single nucleotide variant.
Coding change: c.811T>A on transcript NM_000214.3 (MANE Select); coding-DNA position 811, T replaced by A.
Protein change: p.Cys271Ser; replaces cysteine 271 with serine.
Molecular consequence: missense variant.
Genome position (GRCh38, 1-based): chr20:10,652,543, A>T on the plus strand (T>A on the coding strand, the complement: JAG1 is on the minus strand). VCF-style: chr20-10652543-A-T. GRCh37 (hg19) VCF-style: chr20-10633191-A-T.
Other names: short protein forms C271S.
Identifiers: ClinVar variation 3573109 (VCV003573109.2).